The following is an entry in ClinVar:

NM_005475.3(SH2B3):c.44C>T (p.Pro15Leu)

Gene: SH2B3 (SH2B adaptor protein 3; plus strand). Cytogenetic location: 12q24.12.
Variant type: single nucleotide variant.
Coding change: c.44C>T on transcript NM_005475.3 (MANE Select); coding-DNA position 44, C replaced by T.
Protein change: p.Pro15Leu; replaces proline 15 with leucine.
Molecular consequence: missense variant.
Genome position (GRCh38, 1-based): chr12:111,418,189, C>T. VCF-style: chr12-111418189-C-T. GRCh37 (hg19) VCF-style: chr12-111855993-C-T.
Other names: short protein forms P15L.
Identifiers: ClinVar variation 3953553 (VCV003953553.1).

ClinVar aggregate classification (germline): Uncertain significance (1 of 4 stars; one submission).

Conditions:
Inborn genetic diseases. Identifiers: MedGen C0950123, MeSH D030342.

gnomAD v4.1: 2 of 1,570,122 alleles (0.00013%); highest among the groups gnomAD compares: South Asian, 0.0023%; no homozygotes.

Submission:

Ambry Genetics
Classification: Uncertain significance for Inborn genetic diseases. Last evaluated: 2025-06-02. Review status: criteria provided, single submitter. Criteria: Ambry Variant Classification Scheme 2023. Collection method: clinical testing. Allele origin: germline.
Comment: The p.P15L variant (also known as c.44C>T), located in coding exon 1 of the SH2B3 gene, results from a C to T substitution at nucleotide position 44. The proline at codon 15 is replaced by leucine, an amino acid with similar properties. This amino acid position is conserved. In addition, this alteration is predicted to be tolerated by in silico analysis. Based on the available evidence, the clinical significance of this variant remains unclear.